The following is an entry in ClinVar:

ClinVar aggregate classification (germline): Likely pathogenic (1 of 4 stars; one submission).

Conditions:
MYO5B-related disorder. Also called: MYO5B-related condition.

gnomAD v4.1: 10 of 1,613,550 alleles (0.00062%); highest among the groups gnomAD compares: Middle Eastern, 0.033%; no homozygotes.

Submission:

PreventionGenetics, part of Exact Sciences
Classification: Likely pathogenic for MYO5B-related condition. Last evaluated: 2024-11-06. Review status: criteria provided, single submitter. Criteria: ACMG Guidelines, 2015. Collection method: clinical testing. Allele origin: germline.
Comment: The MYO5B c.2202+1G>A variant is predicted to disrupt the GT donor site and interfere with normal splicing. To our knowledge, this variant has not been reported in the literature. This variant is reported in 0.0029% of alleles in individuals of Latino descent in gnomAD. Variants that disrupt the consensus splice donor site in MYO5B are expected to be pathogenic. This variant is interpreted as likely pathogenic.

NM_001080467.3(MYO5B):c.2202+1G>A

Gene: MYO5B (myosin VB; minus strand). Cytogenetic location: 18q21.1.
Variant type: single nucleotide variant.
Coding change: c.2202+1G>A on transcript NM_001080467.3 (MANE Select); the canonical splice donor site of the intron after coding-DNA position 2202, G replaced by A.
Molecular consequence: splice donor variant.
Genome position (GRCh38, 1-based): chr18:49,912,061, C>T on the plus strand (G>A on the coding strand, the complement: MYO5B is on the minus strand). VCF-style: chr18-49912061-C-T. GRCh37 (hg19) VCF-style: chr18-47438431-C-T.
Identifiers: ClinVar variation 4978237 (VCV004978237.1).